The following is an entry in ClinVar:

ClinVar aggregate classification (germline): Uncertain significance (1 of 4 stars; one submission).

Submission:

GeneDx
Classification: Uncertain significance. Last evaluated: 2019-10-14. Review status: criteria provided, single submitter. Criteria: GeneDx Variant Classification Process June 2021. Collection method: clinical testing. Allele origin: germline. Affected: yes.
Comment: Has not been previously published as pathogenic or benign to our knowledge; Not observed in large population cohorts (Lek et al., 2016); In-silico analysis, which includes splice predictors and evolutionary conservation, is inconclusive as to whether the variant alters gene splicing. In the absence of RNA/functional studies, the actual effect of this sequence change is unknown.

NM_001032283.3(TMPO):c.280-3C>T

Gene: TMPO (thymopoietin; plus strand). Cytogenetic location: 12q23.1.
Variant type: single nucleotide variant.
Coding change: c.280-3C>T on transcript NM_001032283.3 (MANE Select); 3 bases into the intron before coding-DNA position 280, C replaced by T.
Molecular consequence: intron variant.
Genome position (GRCh38, 1-based): chr12:98,527,883, C>T. VCF-style: chr12-98527883-C-T. GRCh37 (hg19) VCF-style: chr12-98921661-C-T.
Other names: c.280-3C>T (NM_003276.2, NM_001307975.2, NM_001032284.3).
Identifiers: ClinVar variation 1309297 (VCV001309297.2), dbSNP rs75172271, ClinGen allele CA2573053767.